The following is an entry in ClinVar:

NM_004357.5(CD151):c.397C>G (p.Arg133Gly)

Gene: CD151 (CD151 molecule (Raph blood group); plus strand). Cytogenetic location: 11p15.5.
Variant type: single nucleotide variant.
Coding change: c.397C>G on transcript NM_004357.5 (MANE Select); coding-DNA position 397, C replaced by G.
Protein change: p.Arg133Gly; replaces arginine 133 with glycine.
Molecular consequence: missense variant.
Genome position (GRCh38, 1-based): chr11:837,295, C>G. VCF-style: chr11-837295-C-G. GRCh37 (hg19) VCF-style: chr11-837295-C-G.
Other names: c.397C>G, p.Arg133Gly (NM_001039490.2, NM_139029.2, NM_139030.4); short protein forms R133G.
Identifiers: ClinVar variation 3611837 (VCV003611837.2).

ClinVar aggregate classification (germline): Uncertain significance (1 of 4 stars; one submission).

gnomAD v4.1: 5 of 1,612,920 alleles (0.00031%); highest among the groups gnomAD compares: Non-Finnish European, 0.00042%; no homozygotes.

Submission:

Labcorp Genetics (formerly Invitae), Labcorp
Classification: Uncertain significance. Last evaluated: 2024-06-17. Review status: criteria provided, single submitter. Criteria: Invitae Variant Classification Sherloc (09022015). Collection method: clinical testing. Allele origin: germline.
Comment: This sequence change replaces arginine, which is basic and polar, with glycine, which is neutral and non-polar, at codon 133 of the CD151 protein (p.Arg133Gly). This variant is present in population databases (no rsID available, gnomAD 0.0009%). This variant has not been reported in the literature in individuals affected with CD151-related conditions. An algorithm developed to predict the effect of missense changes on protein structure and function (PolyPhen-2) suggests that this variant is likely to be tolerated. In summary, the available evidence is currently insufficient to determine the role of this variant in disease. Therefore, it has been classified as a Variant of Uncertain Significance.